The following is an entry in ClinVar:

ClinVar aggregate classification (germline): Conflicting classifications of pathogenicity. Review status: criteria provided, conflicting classifications (1 of 4 stars). 2 submissions from 2 submitters: Uncertain significance (1); Likely benign (1). Last evaluated 2025-07-13.

Conditions:
Arrhythmogenic cardiomyopathy with wooly hair and keratoderma. Also called: Dilated cardiomyopathy with woolly hair and keratoderma; Arrhythmogenic cardiomyopathy with woolly hair and keratoderma; Carvajal syndrome; PALMOPLANTAR KERATODERMA WITH LEFT VENTRICULAR CARDIOMYOPATHY AND WOOLLY HAIR. Identifiers: Orphanet 65282, MedGen C1854063, MONDO:0011581, OMIM 605676.
Arrhythmogenic right ventricular dysplasia 8 (ARVD8). Also called: Arrhythmogenic Right Ventricular Dysplasia/Cardiomyopathy 8; ARRHYTHMOGENIC RIGHT VENTRICULAR DYSPLASIA, FAMILIAL, 8; ARRHYTHMOGENIC RIGHT VENTRICULAR CARDIOMYOPATHY 8. Identifiers: MedGen C1843896, MONDO:0011831, OMIM 607450.
Cardiomyopathy (CMYO). Also called: Cardiomyopathies. Identifiers: Orphanet 167848, MedGen C0878544, MONDO:0004994, HP:0001638. Inheritance: Various modes of inheritance.

Allele frequency attached by ClinVar (database versions not stated): TOPMed below 0.00001; ExAC 0.00001; gnomAD exomes 0.00001.
gnomAD v4.1: 5 of 1,614,176 alleles (0.00031%); highest among the groups gnomAD compares: Admixed American, 0.0083%; no homozygotes.

Submissions (2):

Labcorp Genetics (formerly Invitae), Labcorp
Classification: Likely benign for Arrhythmogenic cardiomyopathy with wooly hair and keratoderma; Arrhythmogenic right ventricular dysplasia 8. Last evaluated: 2025-07-13. Review status: criteria provided, single submitter. Criteria: Invitae Variant Classification Sherloc (09022015). Collection method: clinical testing. Allele origin: germline.

Color Diagnostics, LLC DBA Color Health
Classification: Uncertain significance for Cardiomyopathy. Last evaluated: 2024-03-07. Review status: criteria provided, single submitter. Criteria: ACMG Guidelines, 2015. Collection method: clinical testing. Allele origin: germline.
Comment: This missense variant replaces glutamic acid with aspartic acid at codon 2188 of the DSP protein. Computational prediction suggests that this variant may not impact protein structure and function (internally defined REVEL score threshold <= 0.5, PMID: 27666373). To our knowledge, functional studies have not been reported for this variant. This variant has not been reported in individuals affected with cardiovascular disorders in the literature. This variant has been identified in 3/251490 chromosomes in the general population by the Genome Aggregation Database (gnomAD). The available evidence is insufficient to determine the role of this variant in disease conclusively. Therefore, this variant is classified as a Variant of Uncertain Significance.

NM_004415.4(DSP):c.6564A>C (p.Glu2188Asp)

Gene: DSP (desmoplakin; plus strand). Cytogenetic location: 6p24.3.
Variant type: single nucleotide variant.
Coding change: c.6564A>C on transcript NM_004415.4 (MANE Select); coding-DNA position 6564, A replaced by C.
Protein change: p.Glu2188Asp; replaces glutamic acid 2188 with aspartic acid.
Molecular consequence: missense variant.
Genome position (GRCh38, 1-based): chr6:7,583,826, A>C. VCF-style: chr6-7583826-A-C. GRCh37 (hg19) VCF-style: chr6-7584059-A-C.
Other names: c.4767A>C, p.Glu1589Asp (NM_001008844.3); c.5235A>C, p.Glu1745Asp (NM_001319034.2); short protein forms E1589D, E2188D, E1745D.
Identifiers: ClinVar variation 2081240 (VCV002081240.6), dbSNP rs759929036, ClinGen allele CA047989.